The following is an entry in ClinVar:

ClinVar aggregate classification (germline): Uncertain significance (1 of 4 stars; one submission).

Conditions:
Gorlin syndrome. Also called: Basal cell nevus syndrome; Nevoid Basal Cell Carcinoma Syndrome. Identifiers: Orphanet 377, MedGen C0004779, MONDO:0007187.

Submission:

Labcorp Genetics (formerly Invitae), Labcorp
Classification: Uncertain significance for Gorlin syndrome. Last evaluated: 2025-05-13. Review status: criteria provided, single submitter. Criteria: Invitae Variant Classification Sherloc (09022015). Collection method: clinical testing. Allele origin: germline.
Comment: This sequence change replaces isoleucine, which is neutral and non-polar, with valine, which is neutral and non-polar, at codon 1006 of the PTCH2 protein (p.Ile1006Val). This variant is not present in population databases (gnomAD no frequency). This variant has not been reported in the literature in individuals affected with PTCH2-related conditions. Invitae Evidence Modeling of protein sequence and biophysical properties (such as structural, functional, and spatial information, amino acid conservation, physicochemical variation, residue mobility, and thermodynamic stability) indicates that this missense variant is not expected to disrupt PTCH2 protein function with a negative predictive value of 80%. In summary, the available evidence is currently insufficient to determine the role of this variant in disease. Therefore, it has been classified as a Variant of Uncertain Significance.

NM_003738.5(PTCH2):c.3016A>G (p.Ile1006Val)

Gene: PTCH2 (patched 2; minus strand). Cytogenetic location: 1p34.1.
Variant type: single nucleotide variant.
Coding change: c.3016A>G on transcript NM_003738.5 (MANE Select); coding-DNA position 3016, A replaced by G.
Protein change: p.Ile1006Val; replaces isoleucine 1006 with valine.
Molecular consequence: missense variant.
Genome position (GRCh38, 1-based): chr1:44,826,348, T>C on the plus strand (A>G on the coding strand, the complement: PTCH2 is on the minus strand). VCF-style: chr1-44826348-T-C. GRCh37 (hg19) VCF-style: chr1-45292020-T-C.
Other names: c.3016A>G, p.Ile1006Val (NM_001166292.2); short protein forms I1006V.
Identifiers: ClinVar variation 4698504 (VCV004698504.1).